The following is an entry in ClinVar:

NM_198060.4(NRAP):c.3064A>G (p.Met1022Val)

Gene: NRAP (nebulin related anchoring protein; minus strand). Cytogenetic location: 10q25.3.
Variant type: single nucleotide variant.
Coding change: c.3064A>G on transcript NM_198060.4 (MANE Select); coding-DNA position 3064, A replaced by G.
Protein change: p.Met1022Val; replaces methionine 1022 with valine.
Molecular consequence: missense variant.
Genome position (GRCh38, 1-based): chr10:113,615,726, T>C on the plus strand (A>G on the coding strand, the complement: NRAP is on the minus strand). VCF-style: chr10-113615726-T-C. GRCh37 (hg19) VCF-style: chr10-115375485-T-C.
Other names: c.3064A>G, p.Met1022Val (NM_001261463.2); c.2956A>G, p.Met986Val (NM_001322945.2); c.2959A>G, p.Met987Val (NM_006175.5); c.3064A>G (NM_198060.3); short protein forms M1022V, M986V, M987V.
Identifiers: ClinVar variation 716417 (VCV000716417.7), dbSNP rs34523503, ClinGen allele CA5694945.

ClinVar aggregate classification (germline): Benign/Likely benign. Review status: criteria provided, multiple submitters, no conflicts (2 of 4 stars). 4 submissions from 4 submitters: Benign (2); Likely benign (1). 1 of the submissions does not count toward it. Last evaluated 2025-04-09.

Conditions:
NRAP-related disorder. Also called: NRAP-related condition.

Allele frequency attached by ClinVar (database versions not stated): gnomAD exomes 0.00231; ExAC 0.00297; gnomAD 0.00835 and 0.00876; TOPMed 0.00916; ESP Exome Variant Server 0.01038; 1000 Genomes Project 0.01238; 1000 Genomes Project 30x 0.01296.

Submissions (4):

Molecular Diagnostic Laboratory for Inherited Cardiovascular Disease, Montreal Heart Institute
Classification: Likely benign. Last evaluated: 2025-04-09. Review status: criteria provided, single submitter. Criteria: ACMG Guidelines, 2015. Collection method: clinical testing. Allele origin: germline. Affected: no.

Labcorp Genetics (formerly Invitae), Labcorp
Classification: Benign. Last evaluated: 2018-12-20. Review status: criteria provided, single submitter. Criteria: Invitae Variant Classification Sherloc (09022015). Collection method: clinical testing. Allele origin: germline.

Breakthrough Genomics
Classification: Benign. Review status: criteria provided, single submitter. Criteria: ACMG Guidelines, 2015. Collection method: not provided. Allele origin: germline. Inheritance: Unknown mechanism. Affected: yes.

PreventionGenetics, part of Exact Sciences
Classification: Benign for NRAP-related condition. Last evaluated: 2019-02-20. Review status: no assertion criteria provided. Collection method: clinical testing. Allele origin: germline. Not counted in ClinVar's aggregate classification.
Comment: This variant is classified as benign based on ACMG/AMP sequence variant interpretation guidelines (Richards et al. 2015 PMID: 25741868, with internal and published modifications).